The following is an entry in ClinVar:

ClinVar aggregate classification (germline): Uncertain significance (1 of 4 stars; one submission).

Conditions:
Inborn genetic diseases. Identifiers: MedGen C0950123, MeSH D030342.

Submission:

Ambry Genetics
Classification: Uncertain significance for Inborn genetic diseases. Last evaluated: 2025-08-11. Review status: criteria provided, single submitter. Criteria: Ambry Variant Classification Scheme 2023. Collection method: clinical testing. Allele origin: germline.
Comment: The p.M502T variant (also known as c.1505T>C), located in coding exon 15 of the ANKRD26 gene, results from a T to C substitution at nucleotide position 1505. The methionine at codon 502 is replaced by threonine, an amino acid with similar properties. This amino acid position is conserved. In addition, this alteration is predicted to be tolerated by in silico analysis. Based on the available evidence, the clinical significance of this variant remains unclear.

NM_014915.3(ANKRD26):c.1505T>C (p.Met502Thr)

Gene: ANKRD26 (ankyrin repeat domain containing 26; minus strand). Cytogenetic location: 10p12.1.
Variant type: single nucleotide variant.
Coding change: c.1505T>C on transcript NM_014915.3 (MANE Select); coding-DNA position 1505, T replaced by C.
Protein change: p.Met502Thr; replaces methionine 502 with threonine.
Molecular consequence: missense variant.
Genome position (GRCh38, 1-based): chr10:27,060,404, A>G on the plus strand (T>C on the coding strand, the complement: ANKRD26 is on the minus strand). VCF-style: chr10-27060404-A-G. GRCh37 (hg19) VCF-style: chr10-27349333-A-G.
Other names: c.1505T>C, p.Met502Thr (NM_001256053.2); short protein forms M502T.
Identifiers: ClinVar variation 4104147 (VCV004104147.1).
Genomic context (GRCh38, chr10:27,060,404, plus strand): 5'-CCTGCTTTGGATGTTTGTACATCCTTCATTCCTCCTGCTTTATTTGGAACAGAATCTTTC[A>G]TTTCAATGGTAGGCTGAATGGGTTTTGAAACAAAATGATTAATAAATAATGTATACTTTA-3'
Protein context (NP_055730.2, residues 492-512): RYLHLKPTIE[Met502Thr]KDSVPNKAGG